The following is an entry in ClinVar:

NM_002335.4(LRP5):c.4820dup (p.Pro1608fs)

Gene: LRP5 (LDL receptor related protein 5; plus strand). Cytogenetic location: 11q13.2.
Variant type: Duplication.
Coding change: c.4820dup on transcript NM_002335.4 (MANE Select); coding-DNA position 4820, one base duplicated (C; older notation c.4820dupC).
Protein change: p.Pro1608fs; shifts the reading frame from proline 1608.
Molecular consequence: frameshift variant.
Genome position (GRCh38, 1-based): chr11:68,449,042, C duplicated; the last of 5 consecutive C bases (chr11:68,449,038-68,449,042); duplicating any one gives the same sequence. VCF-style (leftmost placement, unchanged base first): chr11-68449037-G-GC. GRCh37 (hg19) VCF-style: chr11-68216505-G-GC.
Other names: c.3077dup, p.Pro1027fs (NM_001291902.2); short protein forms P1608fs, P1027fs.
Identifiers: ClinVar variation 4714933 (VCV004714933.1).
Genomic context (GRCh38, chr11:68,449,037, plus strand): 5'-GGCGGAGGACAGCTGCCCGCCCTCGCCCGCCACCGAGAGGAGCTACTTCCATCTCTTCCC[G>GC]CCCCCTCCGTCCCCCTGCACGGACTCATCCTGACCTCGGCCGGGCCACTCTGGCTTCTCT-3'

ClinVar aggregate classification (germline): Uncertain significance (1 of 4 stars; one submission).

Submission:

Labcorp Genetics (formerly Invitae), Labcorp
Classification: Uncertain significance. Last evaluated: 2025-03-12. Review status: criteria provided, single submitter. Criteria: Invitae Variant Classification Sherloc (09022015). Collection method: clinical testing. Allele origin: germline.
Comment: This sequence change results in a frameshift in the LRP5 gene (p.Pro1608Serfs*36). While this is not anticipated to result in nonsense mediated decay, it is expected to disrupt the last 8 amino acid(s) of the LRP5 protein and extend the protein by 27 additional amino acid residues. This variant is not present in population databases (gnomAD no frequency). This variant has not been reported in the literature in individuals affected with LRP5-related conditions. Experimental studies and prediction algorithms are not available or were not evaluated, and the functional significance of this variant is currently unknown. In summary, the available evidence is currently insufficient to determine the role of this variant in disease. Therefore, it has been classified as a Variant of Uncertain Significance.